The following is an entry in ClinVar:

ClinVar aggregate classification (germline): Uncertain significance (1 of 4 stars; one submission).

Conditions:
SETX-related disorder. Also called: SETX-related condition; SETX-related disorders. Identifiers: MedGen CN239403.

gnomAD v4.1: 1 of 1,555,444 alleles (0.000064%); no homozygotes.

Submission:

PreventionGenetics, part of Exact Sciences
Classification: Uncertain significance for SETX-related condition. Last evaluated: 2025-09-12. Review status: criteria provided, single submitter. Criteria: ACMG Guidelines, 2015. Collection method: clinical testing. Allele origin: germline.
Comment: The SETX c.7372A>C variant is predicted to result in the amino acid substitution p.Lys2458Gln. To our knowledge, this variant has not been reported in the literature or in a large population database (gnomAD), indicating this variant is rare. At this time, the clinical significance of this variant is uncertain due to the absence of conclusive functional and genetic evidence.

NM_015046.7(SETX):c.7287+210A>C

Genes: SETX (senataxin; minus strand), LOC126860782 (P300/CBP strongly-dependent group 1 enhancer GRCh37_chr9:135144739-135145938; plus strand). Cytogenetic location: 9q34.13.
Variant type: single nucleotide variant.
Coding change: c.7287+210A>C on transcript NM_015046.7 (MANE Select); 210 bases into the intron after coding-DNA position 7287, A replaced by C.
Molecular consequence: intron variant. On other transcripts: missense variant (1).
Genome position (GRCh38, 1-based): chr9:132,269,405, T>G on the plus strand (A>C on the coding strand, the complement: SETX is on the minus strand). VCF-style: chr9-132269405-T-G. GRCh37 (hg19) VCF-style: chr9-135144792-T-G.
Other names: c.7372A>C, p.Lys2458Gln (NM_001351528.2); c.7287+210A>C (NM_001351527.2); short protein forms K2458Q.
Identifiers: ClinVar variation 4987032 (VCV004987032.1).